The following is an entry in ClinVar:

ClinVar aggregate classification (germline): Uncertain significance (1 of 4 stars; one submission).

Conditions:
Melnick-Needles syndrome (MNS). Also called: MELNICK-NEEDLES OSTEODYSPLASTY; OSTEODYSPLASTY OF MELNICK AND NEEDLES; Melnick-Needles Syndrome (FLNA-MNS). Identifiers: Orphanet 2484, MedGen C0025237, MONDO:0010650, OMIM 309350.
Frontometaphyseal dysplasia (FMD1). Identifiers: Orphanet 1826, MedGen C0265293, MONDO:0015942.
Heterotopia, periventricular, X-linked dominant (PVNH1). Also called: PERIVENTRICULAR NODULAR HETEROTOPIA 1; X-linked periventricular heterotopia; PERIVENTRICULAR NODULAR HETEROTOPIA 4; HETEROTOPIA, PERIVENTRICULAR, 1. Identifiers: Orphanet 2149, Orphanet 82004, MedGen C1848213, MONDO:0010233, OMIM 300049.
Oto-palato-digital syndrome, type II (OPD2). Also called: FACIOPALATOOSSEOUS SYNDROME; OPD II SYNDROME; Otopalatodigital Syndrome, Type II; Otopalatodigital Syndrome Type 2 (FLNA-OPD2). Identifiers: Orphanet 669, Orphanet 90652, MedGen C1844696, MONDO:0010571, OMIM 304120.

Submission:

Labcorp Genetics (formerly Invitae), Labcorp
Classification: Uncertain significance for Oto-palato-digital syndrome, type II; Heterotopia, periventricular, X-linked dominant; Frontometaphyseal dysplasia; Melnick-Needles syndrome. Last evaluated: 2024-03-06. Review status: criteria provided, single submitter. Criteria: Invitae Variant Classification Sherloc (09022015). Collection method: clinical testing. Allele origin: germline.
Comment: This sequence change falls in intron 44 of the FLNA gene. It does not directly change the encoded amino acid sequence of the FLNA protein. Information on the frequency of this variant in the gnomAD database is not available, as this variant may be reported differently in the database. This variant has not been reported in the literature in individuals affected with FLNA-related conditions. Experimental studies and prediction algorithms are not available or were not evaluated, and the effect of this variant on mRNA splicing is currently unknown. In summary, the available evidence is currently insufficient to determine the role of this variant in disease. Therefore, it has been classified as a Variant of Uncertain Significance.

NM_001110556.2(FLNA):c.7334-15_7334-14delinsGA

Gene: FLNA (filamin A; minus strand). Cytogenetic location: Xq28.
Variant type: Indel.
Coding change: c.7334-15_7334-14delinsGA on transcript NM_001110556.2 (MANE Select); 15 bases into the intron before coding-DNA position 7334 through 14 bases into the intron before coding-DNA position 7334, CT replaced by GA.
Molecular consequence: intron variant.
Genome position (GRCh38, 1-based): chrX:154,349,881-154,349,882, AG replaced by TC on the plus strand (CT replaced by GA on the coding strand, the reverse complement: FLNA is on the minus strand). VCF-style: chrX-154349881-AG-TC. GRCh37 (hg19) VCF-style: chrX-153578249-AG-TC.
Other names: c.7310-15_7310-14delinsGA (NM_001456.4).
Identifiers: ClinVar variation 3755070 (VCV003755070.2).